The following is an entry in ClinVar:

NM_000138.5(FBN1):c.247+1G>T

Gene: FBN1 (fibrillin 1; minus strand). Cytogenetic location: 15q21.1.
Variant type: single nucleotide variant.
Coding change: c.247+1G>T on transcript NM_000138.5 (MANE Select); the canonical splice donor site of the intron after coding-DNA position 247, G replaced by T.
Molecular consequence: splice donor variant.
Genome position (GRCh38, 1-based): chr15:48,613,009, C>A on the plus strand (G>T on the coding strand, the complement: FBN1 is on the minus strand). VCF-style: chr15-48613009-C-A. GRCh37 (hg19) VCF-style: chr15-48905206-C-A.
Other names: c.247+1G>T (NM_001406716.1, NM_001406717.1).
Identifiers: ClinVar variation 549086 (VCV000549086.6), dbSNP rs25404, ClinGen allele CA392448097.

ClinVar aggregate classification (germline): Pathogenic/Likely pathogenic. Review status: criteria provided, multiple submitters, no conflicts (2 of 4 stars). 3 submissions from 3 submitters: Pathogenic (1); Likely pathogenic (1). 1 of the submissions does not count toward it. Last evaluated 2025-12-22.

Conditions:
Familial thoracic aortic aneurysm and aortic dissection (TAAD). Also called: Thoracic aortic aneurysms and dissections. Identifiers: Orphanet 91387, MedGen C4707243, MONDO:0019625.
Marfan syndrome (MFS). Also called: Marfan syndrome type 1; Marfan syndrome, classic; Marfan's syndrome; FBN1-Related Marfan Syndrome; MARFAN SYNDROME, TYPE I. Identifiers: Orphanet 284963, Orphanet 558, MedGen C0024796, MONDO:0007947, OMIM 154700.

Submissions (4):

Labcorp Genetics (formerly Invitae), Labcorp
Classification: Pathogenic for Marfan syndrome; Familial thoracic aortic aneurysm and aortic dissection. Last evaluated: 2025-12-22. Review status: criteria provided, single submitter. Criteria: Invitae Variant Classification Sherloc (09022015). Collection method: clinical testing. Allele origin: germline.
Comment: This sequence change affects a donor splice site in intron 3 of the FBN1 gene. It is expected to disrupt RNA splicing. Variants that disrupt the donor or acceptor splice site typically lead to a loss of protein function (PMID: 16199547), and loss-of-function variants in FBN1 are known to be pathogenic (PMID: 17657824, 19293843). This variant is not present in population databases (gnomAD no frequency). Disruption of this splice site has been observed in individuals with Marfan syndrome (PMID: 25652356). ClinVar contains an entry for this variant (Variation ID: 549086). Algorithms developed to predict the effect of sequence changes on RNA splicing suggest that this variant may disrupt the consensus splice site. For these reasons, this variant has been classified as Pathogenic.

Ambry Genetics
Classification: Likely pathogenic for Familial thoracic aortic aneurysm and aortic dissection. Last evaluated: 2023-02-15. Review status: criteria provided, single submitter. Criteria: Ambry Variant Classification Scheme 2023. Collection method: clinical testing. Allele origin: germline.
Comment: The c.247+1G>T intronic variant results from a G to T substitution one nucleotide after coding exon 2 of the FBN1 gene. This alteration has been reported in individuals with Marfan syndrome (Baudhuin LM et al. J Hum Genet, 2015 May;60:241-52; Ambry internal data). This variant is considered to be rare based on population cohorts in the Genome Aggregation Database (gnomAD). This nucleotide position is highly conserved in available vertebrate species. In silico splice site analysis predicts that this alteration will weaken the native splice donor site and may result in the creation or strengthening of a novel splice donor site. In addition to the clinical data presented in the literature, alterations that disrupt the canonical splice site are expected to cause aberrant splicing, resulting in an abnormal protein or a transcript that is subject to nonsense-mediated mRNA decay. As such, this alteration is classified as likely pathogenic.

Center for Medical Genetics Ghent, University of Ghent
Classification: Pathogenic for Marfan syndrome. Last evaluated: 2017-11-07. Review status: no assertion criteria provided. Collection method: clinical testing. Allele origin: germline. Affected: yes. Not counted in ClinVar's aggregate classification.

Dr. Peter K. Rogan Lab, Western University
No classification provided (evidence only). Condition: Uterine corpus endometrial carcinoma. Review status: no classification provided. Collection method: in vitro. Allele origin: not applicable. Functional consequence: retained intron. Not counted in ClinVar's aggregate classification.

Literature cited by the submitters: PubMed 16199547 (cited by Labcorp Genetics (formerly Invitae), Labcorp); PubMed 17657824 (cited by Labcorp Genetics (formerly Invitae), Labcorp); PubMed 19293843 (cited by Labcorp Genetics (formerly Invitae), Labcorp); PubMed 25652356 (cited by Labcorp Genetics (formerly Invitae), Labcorp and Ambry Genetics).